The following is an entry in ClinVar:

NM_052947.4(ALPK2):c.598G>A (p.Gly200Arg)

Gene: ALPK2 (alpha kinase 2; minus strand). Cytogenetic location: 18q21.31.
Variant type: single nucleotide variant.
Coding change: c.598G>A on transcript NM_052947.4 (MANE Select); coding-DNA position 598, G replaced by A.
Protein change: p.Gly200Arg; replaces glycine 200 with arginine.
Molecular consequence: missense variant.
Genome position (GRCh38, 1-based): chr18:58,580,178, C>T on the plus strand (G>A on the coding strand, the complement: ALPK2 is on the minus strand). VCF-style: chr18-58580178-C-T. GRCh37 (hg19) VCF-style: chr18-56247410-C-T.
Other names: short protein forms G200R.
Identifiers: ClinVar variation 3228830 (VCV003228830.1), dbSNP rs758684638, ClinGen allele CA8977419.

ClinVar aggregate classification (germline): Uncertain significance (1 of 4 stars; one submission).

Allele frequency attached by ClinVar (database versions not stated): gnomAD exomes below 0.00001; ExAC 0.00001.
gnomAD v4.1: 1 of 1,614,244 alleles (0.000062%); highest among the groups gnomAD compares: East Asian, 0.0022%; no homozygotes.

Submission:

Ambry Genetics
Classification: Uncertain significance. Last evaluated: 2023-11-11. Review status: criteria provided, single submitter. Criteria: Ambry Variant Classification Scheme 2023. Collection method: clinical testing. Allele origin: germline.
Comment: The p.G200R variant (also known as c.598G>A), located in coding exon 3 of the ALPK2 gene, results from a G to A substitution at nucleotide position 598. The glycine at codon 200 is replaced by arginine, an amino acid with dissimilar properties. This amino acid position is conserved. In addition, this alteration is predicted to be tolerated by in silico analysis. Since supporting evidence is limited at this time, the clinical significance of this alteration remains unclear.